The following is an entry in ClinVar:

ClinVar aggregate classification (germline): Uncertain significance (1 of 4 stars; one submission).

Submission:

Labcorp Genetics (formerly Invitae), Labcorp
Classification: Uncertain significance. Last evaluated: 2022-09-01. Review status: criteria provided, single submitter. Criteria: Invitae Variant Classification Sherloc (09022015). Collection method: clinical testing. Allele origin: germline.
Comment: This sequence change replaces serine, which is neutral and polar, with glycine, which is neutral and non-polar, at codon 272 of the STAMBP protein (p.Ser272Gly). In summary, the available evidence is currently insufficient to determine the role of this variant in disease. Therefore, it has been classified as a Variant of Uncertain Significance. Algorithms developed to predict the effect of missense changes on protein structure and function output the following: SIFT: "Tolerated"; PolyPhen-2: "Benign"; Align-GVGD: "Class C0". The glycine amino acid residue is found in multiple mammalian species, which suggests that this missense change does not adversely affect protein function. This variant has not been reported in the literature in individuals affected with STAMBP-related conditions. This variant is not present in population databases (gnomAD no frequency).

NM_213622.4(STAMBP):c.814A>G (p.Ser272Gly)

Gene: STAMBP (STAM binding protein; plus strand). Cytogenetic location: 2p13.1.
Variant type: single nucleotide variant.
Coding change: c.814A>G on transcript NM_213622.4 (MANE Select); coding-DNA position 814, A replaced by G.
Protein change: p.Ser272Gly; replaces serine 272 with glycine.
Molecular consequence: missense variant. On other transcripts: non-coding transcript variant (4).
Genome position (GRCh38, 1-based): chr2:73,849,434, A>G. VCF-style: chr2-73849434-A-G. GRCh37 (hg19) VCF-style: chr2-74076561-A-G.
Other names: c.814A>G, p.Ser272Gly (NM_001353967.2, NM_001353968.2, NM_001353969.2 and 3 more transcripts); c.409A>G, p.Ser137Gly (NM_001353971.2, NM_001353972.2, NM_001353973.2 and 3 more transcripts); short protein forms S272G, S137G.
Identifiers: ClinVar variation 2074046 (VCV002074046.4), dbSNP rs2466624845, ClinGen allele CA347306376.